The following is an entry in ClinVar:

ClinVar aggregate classification (germline): Uncertain significance. Review status: criteria provided, single submitter (1 of 4 stars). 2 submissions from 2 submitters: Uncertain significance (1). 1 of the submissions does not count toward it. Last evaluated 2021-09-02.

Conditions:
Usher syndrome type 2A. Also called: USHER SYNDROME, TYPE IIA; RETINAL DISEASE IN USHER SYNDROME TYPE IIA, MODIFIER OF. Identifiers: Orphanet 231178, Orphanet 886, MedGen C1848634, MONDO:0010169, OMIM 276901.

Submissions (2):

Labcorp Genetics (formerly Invitae), Labcorp
Classification: Uncertain significance. Last evaluated: 2021-09-02. Review status: criteria provided, single submitter. Criteria: Invitae Variant Classification Sherloc (09022015). Collection method: clinical testing. Allele origin: germline.
Comment: This sequence change replaces glycine with alanine at codon 1721 of the USH2A protein (p.Gly1721Ala). The glycine residue is highly conserved and there is a small physicochemical difference between glycine and alanine. This variant is not present in population databases (ExAC no frequency). This variant has not been reported in the literature in individuals affected with USH2A-related conditions. Algorithms developed to predict the effect of missense changes on protein structure and function (SIFT, PolyPhen-2, Align-GVGD) all suggest that this variant is likely to be disruptive. In summary, the available evidence is currently insufficient to determine the role of this variant in disease. Therefore, it has been classified as a Variant of Uncertain Significance.

Natera, Inc.
Classification: Uncertain significance for Usher syndrome type 2A. Last evaluated: 2021-03-16. Review status: no assertion criteria provided. Collection method: clinical testing. Allele origin: germline. Not counted in ClinVar's aggregate classification.

NM_206933.4(USH2A):c.5162G>C (p.Gly1721Ala)

Genes: USH2A (usherin; minus strand), USH2A-AS2 (USH2A antisense RNA 2; plus strand). Cytogenetic location: 1q41.
Variant type: single nucleotide variant.
Coding change: c.5162G>C on transcript NM_206933.4 (MANE Select); coding-DNA position 5162, G replaced by C.
Protein change: p.Gly1721Ala; replaces glycine 1721 with alanine.
Molecular consequence: missense variant.
Genome position (GRCh38, 1-based): chr1:216,084,703, C>G on the plus strand (G>C on the coding strand, the complement: USH2A is on the minus strand). VCF-style: chr1-216084703-C-G. GRCh37 (hg19) VCF-style: chr1-216258045-C-G.
Other names: short protein forms G1721A.
Identifiers: ClinVar variation 1045533 (VCV001045533.7), dbSNP rs2032067781, ClinGen allele CA344858683.